The following is an entry in ClinVar:

NM_178857.6(RP1L1):c.3799T>C (p.Cys1267Arg)

Gene: RP1L1 (RP1 like 1). Cytogenetic location: 8p23.1.
Variant type: single nucleotide variant.
Coding change: c.3799T>C on transcript NM_178857.6 (MANE Select); coding-DNA position 3799, T replaced by C.
Protein change: p.Cys1267Arg; replaces cysteine 1267 with arginine.
Molecular consequence: missense variant.
Genome position (GRCh38, 1-based): chr8:10,610,299, A>G on the plus strand (T>C on the coding strand, the complement: RP1L1 is on the minus strand). VCF-style: chr8-10610299-A-G. GRCh37 (hg19) VCF-style: chr8-10467809-A-G.
Other names: short protein forms C1267R.
Identifiers: ClinVar variation 4881460 (VCV004881460.2).

ClinVar aggregate classification (germline): Uncertain significance (1 of 4 stars; one submission).

gnomAD v4.1: 1 of 1,614,180 alleles (0.000062%); highest among the groups gnomAD compares: East Asian, 0.0022%; no homozygotes.

Submission:

Dasa
Classification: Uncertain significance. Last evaluated: 2025-07-23. Review status: criteria provided, single submitter. Criteria: DASA Assertion Criteria. Collection method: clinical testing. Allele origin: germline.
Comment: NM_178857.6(RP1L1):c.3799T>C (p.Cys1267Arg) is a missense variant that results in the substitution of cysteine with arginine. This variant is rare in population databases. Computational prediction algorithms are consistent with a benign effect. The currently available literature and clinical evidence are not sufficient to establish a definitive association between this variant and the reported condition. Therefore, this variant is classified as a variant of uncertain significance.